The following is an entry in ClinVar:

ClinVar aggregate classification (germline): Likely benign (1 of 4 stars; one submission).

Submission:

CeGaT Center for Human Genetics Tuebingen
Classification: Likely benign. Last evaluated: 2025-10-01. Review status: criteria provided, single submitter. Criteria: CeGaT Center For Human Genetics Tuebingen Variant Classification Criteria Version 2. Collection method: clinical testing. Allele origin: germline. Affected: yes. Observed: 1 variant allele.
Comment: MUC12: BP4, BP7

NM_001164462.2(MUC12):c.2148T>C (p.Thr716=)

Gene: MUC12 (mucin 12, cell surface associated; plus strand). Cytogenetic location: 7q22.1.
Variant type: single nucleotide variant.
Coding change: c.2148T>C on transcript NM_001164462.2 (MANE Select); coding-DNA position 2148, T replaced by C.
Protein change: p.Thr716=; no amino-acid change (threonine 716 retained).
Molecular consequence: synonymous variant.
Genome position (GRCh38, 1-based): chr7:100,992,711, T>C. VCF-style: chr7-100992711-T-C. GRCh37 (hg19) VCF-style: chr7-100635992-T-C.
Identifiers: ClinVar variation 4533648 (VCV004533648.6).